The following is an entry in ClinVar:

ClinVar aggregate classification (germline): Uncertain significance. Review status: criteria provided, multiple submitters, no conflicts (2 of 4 stars). 2 submissions from 2 submitters: Uncertain significance (2). Last evaluated 2025-03-22.

Conditions:
Dyskeratosis congenita, autosomal recessive 5 (DKCB5). Identifiers: MedGen C3554656, MONDO:0014076, OMIM 615190.
Pulmonary fibrosis and/or bone marrow failure, Telomere-related, 3. Also called: PULMONARY FIBROSIS AND/OR BONE MARROW FAILURE SYNDROME, TELOMERE-RELATED, 3. Identifiers: Orphanet 2032, MedGen C4225346, MONDO:0014613, OMIM 616373.
Inborn genetic diseases. Identifiers: MedGen C0950123, MeSH D030342.

Allele frequency attached by ClinVar (database versions not stated): gnomAD 0.00001.
gnomAD v4.1: 1 of 1,557,294 alleles (0.000064%); highest among the groups gnomAD compares: African/African-American, 0.0014%; no homozygotes.

Submissions (2):

Ambry Genetics
Classification: Uncertain significance for Inborn genetic diseases. Last evaluated: 2025-03-22. Review status: criteria provided, single submitter. Criteria: Ambry Variant Classification Scheme 2023. Collection method: clinical testing. Allele origin: germline.
Comment: The p.P1189L variant (also known as c.3566C>T), located in coding exon 33 of the RTEL1 gene, results from a C to T substitution at nucleotide position 3566. The proline at codon 1189 is replaced by leucine, an amino acid with similar properties. This amino acid position is conserved. In addition, this alteration is predicted to be tolerated by in silico analysis. Based on the available evidence, the clinical significance of this variant remains unclear.

Labcorp Genetics (formerly Invitae), Labcorp
Classification: Uncertain significance for Dyskeratosis congenita, autosomal recessive 5; Pulmonary fibrosis and/or bone marrow failure, Telomere-related, 3. Last evaluated: 2022-05-22. Review status: criteria provided, single submitter. Criteria: Invitae Variant Classification Sherloc (09022015). Collection method: clinical testing. Allele origin: germline.
Comment: This sequence change replaces proline, which is neutral and non-polar, with leucine, which is neutral and non-polar, at codon 1189 of the RTEL1 protein (p.Pro1189Leu). This variant is not present in population databases (gnomAD no frequency). This variant has not been reported in the literature in individuals affected with RTEL1-related conditions. Algorithms developed to predict the effect of missense changes on protein structure and function (SIFT, PolyPhen-2, Align-GVGD) all suggest that this variant is likely to be tolerated. In summary, the available evidence is currently insufficient to determine the role of this variant in disease. Therefore, it has been classified as a Variant of Uncertain Significance.

NM_001283009.2(RTEL1):c.3566C>T (p.Pro1189Leu)

Genes: RTEL1 (regulator of telomere elongation helicase 1; plus strand), RTEL1-TNFRSF6B (RTEL1-TNFRSF6B readthrough (NMD candidate); plus strand). Cytogenetic location: 20q13.33.
Variant type: single nucleotide variant.
Coding change: c.3566C>T on transcript NM_001283009.2 (MANE Select); coding-DNA position 3566, C replaced by T.
Protein change: p.Pro1189Leu; replaces proline 1189 with leucine.
Molecular consequence: missense variant. On other transcripts: non-coding transcript variant (1).
Genome position (GRCh38, 1-based): chr20:63,695,394, C>T. VCF-style: chr20-63695394-C-T. GRCh37 (hg19) VCF-style: chr20-62326747-C-T.
Other names: c.2897C>T, p.Pro966Leu (NM_001283010.1); c.3566C>T, p.Pro1189Leu (NM_016434.4); c.3638C>T, p.Pro1213Leu (NM_032957.5); short protein forms P1189L, P1213L, P966L.
Identifiers: ClinVar variation 2419872 (VCV002419872.8), dbSNP rs2090953028, ClinGen allele CA409686273.
Genomic context (GRCh38, chr20:63,695,394, plus strand): 5'-CACGGTCCGAGAAGACCGGGAAGACCCAGAGCAAGATCTCGTCCTTCCTTAGACAGAGGC[C>T]AGCAGGGACTGTGGGGGCGGGCGGTGAGGATGCAGGTCCCAGCCAGTCCTCAGGACCTCC-3'
Protein context (NP_001269938.1, residues 1179-1199): SKISSFLRQR[Pro1189Leu]AGTVGAGGED